The following is an entry in ClinVar:

NM_016580.4(PCDH12):c.2773G>C (p.Glu925Gln)

Genes: PCDH12 (protocadherin 12; minus strand), RNF14 (ring finger protein 14; plus strand). Cytogenetic location: 5q31.3.
Variant type: single nucleotide variant.
Coding change: c.2773G>C on transcript NM_016580.4 (MANE Select); coding-DNA position 2773, G replaced by C.
Protein change: p.Glu925Gln; replaces glutamic acid 925 with glutamine.
Molecular consequence: missense variant.
Genome position (GRCh38, 1-based): chr5:141,955,079, C>G on the plus strand (G>C on the coding strand, the complement: PCDH12 is on the minus strand). VCF-style: chr5-141955079-C-G. GRCh37 (hg19) VCF-style: chr5-141334644-C-G.
Other names: c.2773G>C (NM_016580.2); short protein forms E925Q.
Identifiers: ClinVar variation 1474366 (VCV001474366.6), dbSNP rs199848714, ClinGen allele CA3484139.

ClinVar aggregate classification (germline): Uncertain significance. Review status: criteria provided, multiple submitters, no conflicts (2 of 4 stars). 2 submissions from 2 submitters: Uncertain significance (2). Last evaluated 2025-05-03.

Conditions:
Inborn genetic diseases. Identifiers: MedGen C0950123, MeSH D030342.

Allele frequency attached by ClinVar (database versions not stated): gnomAD 0.00005; TOPMed 0.00007; 1000 Genomes Project 0.00020; 1000 Genomes Project 30x 0.00031; gnomAD exomes 0.00001 and 0.00002; ESP Exome Variant Server 0.00008.
gnomAD v4.1: 19 of 1,614,244 alleles (0.0012%); highest among the groups gnomAD compares: African/African-American, 0.021%; no homozygotes.

Submissions (2):

Ambry Genetics
Classification: Uncertain significance for Inborn genetic diseases. Last evaluated: 2025-05-03. Review status: criteria provided, single submitter. Criteria: Ambry Variant Classification Scheme 2023. Collection method: clinical testing. Allele origin: germline.

Labcorp Genetics (formerly Invitae), Labcorp
Classification: Uncertain significance. Last evaluated: 2021-09-01. Review status: criteria provided, single submitter. Criteria: Invitae Variant Classification Sherloc (09022015). Collection method: clinical testing. Allele origin: germline.
Comment: This sequence change replaces glutamic acid with glutamine at codon 925 of the PCDH12 protein (p.Glu925Gln). The glutamic acid residue is highly conserved and there is a small physicochemical difference between glutamic acid and glutamine. This variant is present in population databases (rs199848714, ExAC 0.04%). This variant has not been reported in the literature in individuals affected with PCDH12-related conditions. Advanced modeling of protein sequence and biophysical properties (such as structural, functional, and spatial information, amino acid conservation, physicochemical variation, residue mobility, and thermodynamic stability) performed at Invitae indicates that this missense variant is not expected to disrupt PCDH12 protein function. In summary, the available evidence is currently insufficient to determine the role of this variant in disease. Therefore, it has been classified as a Variant of Uncertain Significance.